The following is an entry in ClinVar:

NM_199420.4(POLQ):c.5814C>A (p.Ser1938Arg)

Gene: POLQ (DNA polymerase theta; minus strand). Cytogenetic location: 3q13.33.
Variant type: single nucleotide variant.
Coding change: c.5814C>A on transcript NM_199420.4 (MANE Select); coding-DNA position 5814, C replaced by A.
Protein change: p.Ser1938Arg; replaces serine 1938 with arginine.
Molecular consequence: missense variant.
Genome position (GRCh38, 1-based): chr3:121,483,542, G>T on the plus strand (C>A on the coding strand, the complement: POLQ is on the minus strand). VCF-style: chr3-121483542-G-T. GRCh37 (hg19) VCF-style: chr3-121202389-G-T.
Other names: short protein forms S1938R.
Identifiers: ClinVar variation 2448995 (VCV002448995.2), dbSNP rs759685319, ClinGen allele CA354088739.
Genomic context (GRCh38, chr3:121,483,542, plus strand): 5'-TTTATCAGATTCCTTTCGCAAGCAAGATTGAAGGTACCACATCCTGTCTTTCAAAGTCAG[G>T]CTTGGATCTAAAGAAGGTGGAACCAAACTGGCACTAATTTCTTTAAAAAAAAAAAAAAAA-3'
Protein context (NP_955452.3, residues 1928-1948): ASLVPPSLDP[Ser1938Arg]LTLKDRMWYL

ClinVar aggregate classification (germline): Uncertain significance (1 of 4 stars; one submission).

Submission:

Ambry Genetics
Classification: Uncertain significance. Last evaluated: 2023-02-03. Review status: criteria provided, single submitter. Criteria: Ambry Variant Classification Scheme 2023. Collection method: clinical testing. Allele origin: germline.
Comment: The p.S1938R variant (also known as c.5814C>A), located in coding exon 18 of the POLQ gene, results from a C to A substitution at nucleotide position 5814. The serine at codon 1938 is replaced by arginine, an amino acid with dissimilar properties. This amino acid position is conserved. In addition, this alteration is predicted to be tolerated by in silico analysis. Since supporting evidence is limited at this time, the clinical significance of this alteration remains unclear.